The following is an entry in ClinVar:

NM_012434.5(SLC17A5):c.1355C>G (p.Thr452Ser)

Gene: SLC17A5 (solute carrier family 17 member 5; minus strand). Cytogenetic location: 6q13.
Variant type: single nucleotide variant.
Coding change: c.1355C>G on transcript NM_012434.5 (MANE Select); coding-DNA position 1355, C replaced by G.
Protein change: p.Thr452Ser; replaces threonine 452 with serine.
Molecular consequence: missense variant.
Genome position (GRCh38, 1-based): chr6:73,595,210, G>C on the plus strand (C>G on the coding strand, the complement: SLC17A5 is on the minus strand). VCF-style: chr6-73595210-G-C. GRCh37 (hg19) VCF-style: chr6-74304933-G-C.
Other names: p.Thr452Ser; c.1124C>G, p.Thr375Ser (NM_001382629.1); c.1264C>G, p.Leu422Val (NM_001382630.1); c.1376C>G, p.Thr459Ser (NM_001382631.1); c.1268C>G, p.Thr423Ser (NM_001382632.1); c.1453C>G, p.Leu485Val (NM_001382633.1); c.1196C>G, p.Thr399Ser (NM_001382634.1); c.1352C>G, p.Thr451Ser (NM_001382635.1); and 1 more; short protein forms L485V, T346S, T399S, L422V, T375S, T452S, T459S, T423S.
Identifiers: ClinVar variation 1704563 (VCV001704563.8), dbSNP rs202005821, ClinGen allele CA3890270.

ClinVar aggregate classification (germline): Uncertain significance. Review status: criteria provided, multiple submitters, no conflicts (2 of 4 stars). 4 submissions from 4 submitters: Uncertain significance (4). Last evaluated 2025-05-28.

Conditions:
Inborn genetic diseases. Identifiers: MedGen C0950123, MeSH D030342.
Salla disease (SD). Also called: Less Severe FSASD (Salla Disease); Sialuria, Finnish type; N-acetylneuraminic acid (NANA) storage disease (NSD); Infantile sialic acid storage disorder (ISSD). Identifiers: Orphanet 309334, Orphanet 834, MedGen C1096903, MONDO:0011449, OMIM 604369.

Allele frequency attached by ClinVar (database versions not stated): gnomAD exomes 0.00008; ESP Exome Variant Server 0.00015; TOPMed 0.00004; gnomAD 0.00006; ExAC 0.00007.
gnomAD v4.1: 123 of 1,613,886 alleles (0.0076%); highest among the groups gnomAD compares: South Asian, 0.013%; no homozygotes.

Submissions (4):

Ambry Genetics
Classification: Uncertain significance for Inborn genetic diseases. Last evaluated: 2025-05-28. Review status: criteria provided, single submitter. Criteria: Ambry Variant Classification Scheme 2023. Collection method: clinical testing. Allele origin: germline.

Mayo Clinic Laboratories, Mayo Clinic
Classification: Uncertain significance. Last evaluated: 2022-09-26. Review status: criteria provided, single submitter. Criteria: ACMG Guidelines, 2015. Collection method: clinical testing. Allele origin: germline. Observed: 1 variant allele.
Comment: BP4

Labcorp Genetics (formerly Invitae), Labcorp
Classification: Uncertain significance for Salla disease. Last evaluated: 2022-08-05. Review status: criteria provided, single submitter. Criteria: Invitae Variant Classification Sherloc (09022015). Collection method: clinical testing. Allele origin: germline.
Comment: This sequence change replaces threonine, which is neutral and polar, with serine, which is neutral and polar, at codon 452 of the SLC17A5 protein (p.Thr452Ser). This variant is present in population databases (rs202005821, gnomAD 0.07%). This variant has not been reported in the literature in individuals affected with SLC17A5-related conditions. Algorithms developed to predict the effect of missense changes on protein structure and function are either unavailable or do not agree on the potential impact of this missense change (SIFT: "Deleterious"; PolyPhen-2: "Benign"; Align-GVGD: "Class C0"). Algorithms developed to predict the effect of sequence changes on RNA splicing suggest that this variant may create or strengthen a splice site. In summary, the available evidence is currently insufficient to determine the role of this variant in disease. Therefore, it has been classified as a Variant of Uncertain Significance.

Women's Health and Genetics/Laboratory Corporation of America, LabCorp
Classification: Uncertain significance. Last evaluated: 2022-07-12. Review status: criteria provided, single submitter. Criteria: LabCorp Variant Classification Summary - May 2015. Collection method: clinical testing. Allele origin: germline.
Comment: Variant summary: SLC17A5 c.1355C>G (p.Thr452Ser) results in a conservative amino acid change located in the major facilitator superfamily domain (IPR020846) of the encoded protein sequence. Four of five in-silico tools predict a benign effect of the variant on protein function. The variant allele was found at a frequency of 6.4e-05 in 250122 control chromosomes (gnomAD). This frequency is not significantly higher than expected for a pathogenic variant in SLC17A5 causing Sialic Acid Storage Disorder (6.4e-05 vs 0.0024), allowing no conclusion about variant significance. To our knowledge, no occurrence of c.1355C>G in individuals affected with Sialic Acid Storage Disorder and no experimental evidence demonstrating its impact on protein function have been reported. No clinical diagnostic laboratories have submitted clinical-significance assessments for this variant to ClinVar after 2014. Based on the evidence outlined above, the variant was classified as uncertain significance.